The following is an entry in ClinVar:

ClinVar aggregate classification (germline): Uncertain significance (1 of 4 stars; one submission).

Conditions:
Cardiovascular phenotype. Identifiers: MedGen CN230736.

gnomAD v4.1: 3 of 1,614,212 alleles (0.00019%); highest among the groups gnomAD compares: Non-Finnish European, 0.00025%; no homozygotes.

Submission:

Ambry Genetics
Classification: Uncertain significance for Cardiovascular phenotype. Last evaluated: 2025-03-09. Review status: criteria provided, single submitter. Criteria: Ambry Variant Classification Scheme 2023. Collection method: clinical testing. Allele origin: germline.
Comment: The p.K640E variant (also known as c.1918A>G), located in coding exon 11 of the LDB3 gene, results from an A to G substitution at nucleotide position 1918. The lysine at codon 640 is replaced by glutamic acid, an amino acid with similar properties. This amino acid position is conserved. In addition, the in silico prediction for this alteration is inconclusive. Based on the available evidence, the clinical significance of this variant remains unclear.

NM_007078.3(LDB3):c.1918A>G (p.Lys640Glu)

Gene: LDB3 (LIM domain binding 3; plus strand). Cytogenetic location: 10q23.2.
Variant type: single nucleotide variant.
Coding change: c.1918A>G on transcript NM_007078.3 (MANE Select); coding-DNA position 1918, A replaced by G.
Protein change: p.Lys640Glu; replaces lysine 640 with glutamic acid.
Molecular consequence: missense variant.
Genome position (GRCh38, 1-based): chr10:86,718,787, A>G. VCF-style: chr10-86718787-A-G. GRCh37 (hg19) VCF-style: chr10-88478544-A-G.
Other names: c.1588A>G, p.Lys530Glu (NM_001080114.2); c.1933A>G, p.Lys645Glu (NM_001171610.2); c.1729A>G, p.Lys577Glu (NM_001368064.1, NM_001368065.1); c.1777A>G, p.Lys593Glu (NM_001368066.1); short protein forms K577E, K593E, K640E, K645E, K530E.
Identifiers: ClinVar variation 3866774 (VCV003866774.1).